The following is an entry in ClinVar:

NM_004933.3(CDH15):c.1849C>T (p.Leu617=)

Genes: CDH15 (cadherin 15; plus strand), LOC130059794 (ATAC-STARR-seq lymphoblastoid silent region 7894; plus strand). Cytogenetic location: 16q24.3.
Variant type: single nucleotide variant.
Coding change: c.1849C>T on transcript NM_004933.3 (MANE Select); coding-DNA position 1849, C replaced by T.
Protein change: p.Leu617=; no amino-acid change (leucine 617 retained).
Molecular consequence: synonymous variant.
Genome position (GRCh38, 1-based): chr16:89,192,438, C>T. VCF-style: chr16-89192438-C-T. GRCh37 (hg19) VCF-style: chr16-89258846-C-T.
Identifiers: ClinVar variation 434630 (VCV000434630.43), dbSNP rs369195898, ClinGen allele CA8239418.
Genomic context (GRCh38, chr16:89,192,438, plus strand): 5'-GCGGGGGGCACAGGCCTCAGCCTGGGCGCACTGGTCATCGTGCTGGCCAGCGCCCTCCTG[C>T]TGCTGGGTGAGTGAGCGCCCCGCCTCCACCTGGACCCTCGGACCCTCGGACCCTCCTCCC-3'
Protein context (NP_004924.1, residues 607-627): LVIVLASALL[Leu617=]LVLVLLVALR

ClinVar aggregate classification (germline): Likely benign. Review status: criteria provided, multiple submitters, no conflicts (2 of 4 stars). 4 submissions from 4 submitters: Likely benign (4). Last evaluated 2024-08-22.

Allele frequency attached by ClinVar (database versions not stated): ESP Exome Variant Server 0.00009; TOPMed 0.00040; gnomAD 0.00054; ExAC 0.00070; 1000 Genomes Project 30x 0.00094; 1000 Genomes Project 0.00100.
gnomAD v4.1: 547 of 1,559,652 alleles (0.035%); highest among the groups gnomAD compares: Middle Eastern, 0.34%; 1 homozygote.

Submissions (4):

Blueprint Genetics
Classification: Likely benign. Last evaluated: 2024-08-22. Review status: criteria provided, single submitter. Criteria: ACMG Guidelines, 2015. Collection method: clinical testing. Allele origin: germline.

CeGaT Center for Human Genetics Tuebingen
Classification: Likely benign. Last evaluated: 2024-08-01. Review status: criteria provided, single submitter. Criteria: CeGaT Center For Human Genetics Tuebingen Variant Classification Criteria Version 2. Collection method: clinical testing. Allele origin: germline. Affected: yes. Observed: 4 variant alleles.
Comment: CDH15: BP4, BP7

Genetic Services Laboratory, University of Chicago
Classification: Likely benign. Last evaluated: 2015-09-23. Review status: criteria provided, single submitter. Criteria: ACMG Guidelines, 2015. Collection method: clinical testing. Allele origin: germline. Affected: no.

Breakthrough Genomics
Classification: Likely benign. Review status: criteria provided, single submitter. Criteria: ACMG Guidelines, 2015. Collection method: not provided. Allele origin: germline. Inheritance: Autosomal dominant inheritance. Affected: yes.